The following is an entry in ClinVar:

NM_000252.3(MTM1):c.637C>A (p.Leu213Ile)

Gene: MTM1 (myotubularin 1; plus strand). Cytogenetic location: Xq28.
Variant type: single nucleotide variant.
Coding change: c.637C>A on transcript NM_000252.3 (MANE Select); coding-DNA position 637, C replaced by A.
Protein change: p.Leu213Ile; replaces leucine 213 with isoleucine.
Molecular consequence: missense variant.
Genome position (GRCh38, 1-based): chrX:150,641,377, C>A. VCF-style: chrX-150641377-C-A. GRCh37 (hg19) VCF-style: chrX-149809850-C-A.
Other names: c.637C>A, p.Leu213Ile (NM_001376906.1, NM_001376908.1); c.526C>A, p.Leu176Ile (NM_001376907.1); short protein forms L213I, L176I.
Identifiers: ClinVar variation 4795576 (VCV004795576.1).

ClinVar aggregate classification (germline): Uncertain significance (1 of 4 stars; one submission).

Submission:

GeneDx
Classification: Uncertain significance. Last evaluated: 2025-08-09. Review status: criteria provided, single submitter. Criteria: GeneDx Variant Classification Process June 2021. Collection method: clinical testing. Allele origin: germline. Affected: yes.
Comment: Not observed at significant frequency in large population cohorts (gnomAD); In silico analysis suggests that this missense variant does not alter protein structure/function; Has not been previously published as pathogenic or benign to our knowledge